The following is an entry in ClinVar:

ClinVar aggregate classification (germline): Pathogenic (1 of 4 stars; one submission).

Conditions:
Joubert syndrome and related disorders. Identifiers: Orphanet 140874, MedGen C5679612, MONDO:0015369.

Submission:

Women's Health and Genetics/Laboratory Corporation of America, LabCorp
Classification: Pathogenic for Joubert syndrome and related disorders. Last evaluated: 2025-12-19. Review status: criteria provided, single submitter. Criteria: LabCorp Variant Classification Summary - May 2015. Collection method: clinical testing. Allele origin: germline.
Comment: Variant summary: TMEM231 c.664delC (p.Gln222SerfsX4) results in a premature termination codon, predicted to cause a truncation of the encoded protein or absence of the protein due to nonsense mediated decay, which are commonly known mechanisms for disease. The variant was absent in 247248 control chromosomes. To our knowledge, no occurrence of c.664delC in individuals affected with TMEM231-related conditions and no experimental evidence demonstrating its impact on protein function have been reported. No submitters have cited clinical-significance assessments for this variant to ClinVar. Based on the evidence outlined above, the variant was classified as pathogenic.

NM_001077418.3(TMEM231):c.505del (p.Gln169fs)

Gene: TMEM231 (transmembrane protein 231; minus strand). Cytogenetic location: 16q23.1.
Variant type: Deletion.
Coding change: c.505del on transcript NM_001077418.3 (MANE Select); coding-DNA position 505, one base deleted (C; older notation c.505delC).
Protein change: p.Gln169fs; shifts the reading frame from glutamine 169.
Molecular consequence: frameshift variant. On other transcripts: non-coding transcript variant (1).
Genome position (GRCh38, 1-based): chr16:75,545,429, G deleted on the plus strand (C on the coding strand, the reverse complement: TMEM231 is on the minus strand); the first of 3 consecutive G bases (chr16:75,545,429-75,545,431); deleting any one gives the same sequence. VCF-style (leftmost placement, unchanged base first): chr16-75545428-TG-T. GRCh37 (hg19) VCF-style: chr16-75579326-TG-T.
Other names: c.664del, p.Gln222fs (NM_001077416.2); short protein forms Q169fs, Q222fs.
Identifiers: ClinVar variation 4688201 (VCV004688201.1), dbSNP rs2080677629.